The following is an entry in ClinVar:

NM_001035.3(RYR2):c.657A>G (p.Ser219=)

Gene: RYR2 (ryanodine receptor 2; plus strand). Cytogenetic location: 1q43.
Variant type: single nucleotide variant.
Coding change: c.657A>G on transcript NM_001035.3 (MANE Select); coding-DNA position 657, A replaced by G.
Protein change: p.Ser219=; no amino-acid change (serine 219 retained).
Molecular consequence: synonymous variant.
Genome position (GRCh38, 1-based): chr1:237,387,361, A>G. VCF-style: chr1-237387361-A-G. GRCh37 (hg19) VCF-style: chr1-237550661-A-G.
Other names: c.657A>G (NM_001035.2).
Identifiers: ClinVar variation 3385654 (VCV003385654.3).

ClinVar aggregate classification (germline): Likely benign. Review status: criteria provided, multiple submitters, no conflicts (2 of 4 stars). 3 submissions from 3 submitters: Likely benign (3). Last evaluated 2025-02-18.

Conditions:
Catecholaminergic polymorphic ventricular tachycardia (CVPT). Also called: Catecholamine-induced polymorphic ventricular tachycardia. Identifiers: Orphanet 3286, MedGen C5574922, MONDO:0017990.
Catecholaminergic polymorphic ventricular tachycardia 1. Also called: VENTRICULAR TACHYCARDIA, CATECHOLAMINERGIC POLYMORPHIC, 1, WITH OR WITHOUT ATRIAL DYSFUNCTION AND/OR DILATED CARDIOMYOPATHY; VENTRICULAR TACHYCARDIA, STRESS-INDUCED POLYMORPHIC 1; RYR2-Related Catecholaminergic Polymorphic Ventricular Tachycardia. Identifiers: Orphanet 3286, MedGen C1631597, MONDO:0011484, OMIM 604772.
Cardiovascular phenotype. Identifiers: MedGen CN230736.

Submissions (3):

Labcorp Genetics (formerly Invitae), Labcorp
Classification: Likely benign for Catecholaminergic polymorphic ventricular tachycardia 1. Last evaluated: 2025-02-18. Review status: criteria provided, single submitter. Criteria: Invitae Variant Classification Sherloc (09022015). Collection method: clinical testing. Allele origin: germline.

Ambry Genetics
Classification: Likely benign for Cardiovascular phenotype. Last evaluated: 2024-10-19. Review status: criteria provided, single submitter. Criteria: Ambry Variant Classification Scheme 2023. Collection method: clinical testing. Allele origin: germline.

All of Us Research Program, National Institutes of Health
Classification: Likely benign for Catecholaminergic polymorphic ventricular tachycardia. Last evaluated: 2024-04-16. Review status: criteria provided, single submitter. Criteria: ACMG Guidelines, 2015. Collection method: clinical testing. Allele origin: germline. Inheritance: Autosomal dominant inheritance. Observed: 1 variant allele, 1 heterozygote.
Comment: This study involves interpretation of variants in research participants for the purpose of population health screening. Participant phenotype was not available at the time of variant classification. Additional details can be found in publication PMID: 35346344, PMCID: PMC8962531